The following is an entry in ClinVar:

ClinVar aggregate classification (germline): Likely benign (1 of 4 stars; one submission).

Allele frequency attached by ClinVar (database versions not stated): gnomAD exomes below 0.00001 and 0.00001; ExAC 0.00001; gnomAD 0.00003 and 0.00004; TOPMed 0.00006; ESP Exome Variant Server 0.00015.

Submission:

GeneDx
Classification: Likely benign. Last evaluated: 2021-02-17. Review status: criteria provided, single submitter. Criteria: GeneDx Variant Classification Process June 2021. Collection method: clinical testing. Allele origin: germline. Affected: yes.
Comment: In silico analysis supports that this missense variant does not alter protein structure/function; Has not been previously published as pathogenic or benign to our knowledge

NM_001110219.3(GJB6):c.19C>T (p.His7Tyr)

Gene: GJB6 (gap junction protein beta 6; minus strand). Cytogenetic location: 13q12.11.
Variant type: single nucleotide variant.
Coding change: c.19C>T on transcript NM_001110219.3 (MANE Select); coding-DNA position 19, C replaced by T.
Protein change: p.His7Tyr; replaces histidine 7 with tyrosine.
Molecular consequence: missense variant.
Genome position (GRCh38, 1-based): chr13:20,223,462, G>A on the plus strand (C>T on the coding strand, the complement: GJB6 is on the minus strand). VCF-style: chr13-20223462-G-A. GRCh37 (hg19) VCF-style: chr13-20797601-G-A.
Other names: c.19C>T, p.His7Tyr (NM_001110220.3, NM_001110221.3, NM_001370090.1 and 3 more transcripts); short protein forms H7Y.
Identifiers: ClinVar variation 1179938 (VCV001179938.2), dbSNP rs140734037, ClinGen allele CA6904528.